The following is an entry in ClinVar:

NM_001145809.2(MYH14):c.519C>T (p.His173=)

Gene: MYH14 (myosin heavy chain 14; plus strand). Cytogenetic location: 19q13.33.
Variant type: single nucleotide variant.
Coding change: c.519C>T on transcript NM_001145809.2 (MANE Select); coding-DNA position 519, C replaced by T.
Protein change: p.His173=; no amino-acid change (histidine 173 retained).
Molecular consequence: synonymous variant.
Genome position (GRCh38, 1-based): chr19:50,217,728, C>T. VCF-style: chr19-50217728-C-T. GRCh37 (hg19) VCF-style: chr19-50720985-C-T.
Other names: c.519C>T, p.His173= (NM_001077186.2, NM_024729.4).
Identifiers: ClinVar variation 2177025 (VCV002177025.11), dbSNP rs369622115, ClinGen allele CA9592279.
Genomic context (GRCh38, chr19:50,217,728, plus strand): 5'-CTACACAGAAGCCATTGTGGAGATGTACCGGGGCAAGAAGCGCCACGAGGTGCCACCCCA[C>T]GTGTACGCAGTGACCGAGGGGGCCTATCGGAGCATGCTGCAGGGTGAGTGCTGGGTGGGG-3'
Protein context (NP_001139281.1, residues 163-183): RGKKRHEVPP[His173=]VYAVTEGAYR

ClinVar aggregate classification (germline): Likely benign. Review status: criteria provided, multiple submitters, no conflicts (2 of 4 stars). 2 submissions from 2 submitters: Likely benign (2). Last evaluated 2025-04-01.

Allele frequency attached by ClinVar (database versions not stated): ExAC 0.00002; gnomAD 0.00003; gnomAD exomes 0.00003; TOPMed 0.00005; ESP Exome Variant Server 0.00008.
gnomAD v4.1: 46 of 1,613,828 alleles (0.0029%); highest among the groups gnomAD compares: Middle Eastern, 0.049%; no homozygotes.

Submissions (2):

CeGaT Center for Human Genetics Tuebingen
Classification: Likely benign. Last evaluated: 2025-04-01. Review status: criteria provided, single submitter. Criteria: CeGaT Center For Human Genetics Tuebingen Variant Classification Criteria Version 2. Collection method: clinical testing. Allele origin: germline. Affected: yes. Observed: 1 variant allele.
Comment: MYH14: BP4, BP7

Labcorp Genetics (formerly Invitae), Labcorp
Classification: Likely benign. Last evaluated: 2022-08-19. Review status: criteria provided, single submitter. Criteria: Invitae Variant Classification Sherloc (09022015). Collection method: clinical testing. Allele origin: germline.